The following is an entry in ClinVar:

ClinVar aggregate classification (germline): Uncertain significance (1 of 4 stars; one submission).

Conditions:
Nephronophthisis. Also called: Juvenile Nephronophthisis. Identifiers: Orphanet 655, MedGen C0687120, MONDO:0019005, HP:0000090.

Allele frequency attached by ClinVar (database versions not stated): gnomAD exomes below 0.00001; gnomAD 0.00001.
gnomAD v4.1: 3 of 1,599,166 alleles (0.00019%); highest among the groups gnomAD compares: South Asian, 0.0034%; no homozygotes.

Submission:

Labcorp Genetics (formerly Invitae), Labcorp
Classification: Uncertain significance for Nephronophthisis. Last evaluated: 2022-04-07. Review status: criteria provided, single submitter. Criteria: Invitae Variant Classification Sherloc (09022015). Collection method: clinical testing. Allele origin: germline.
Comment: This sequence change replaces proline, which is neutral and non-polar, with serine, which is neutral and polar, at codon 1055 of the NPHP4 protein (p.Pro1055Ser). This variant is not present in population databases (gnomAD no frequency). This variant has not been reported in the literature in individuals affected with NPHP4-related conditions. Algorithms developed to predict the effect of missense changes on protein structure and function are either unavailable or do not agree on the potential impact of this missense change (SIFT: "Deleterious"; PolyPhen-2: "Probably Damaging"; Align-GVGD: "Class C0"). In summary, the available evidence is currently insufficient to determine the role of this variant in disease. Therefore, it has been classified as a Variant of Uncertain Significance.

NM_015102.5(NPHP4):c.3163C>T (p.Pro1055Ser)

Gene: NPHP4 (nephrocystin 4; minus strand). Cytogenetic location: 1p36.31.
Variant type: single nucleotide variant.
Coding change: c.3163C>T on transcript NM_015102.5 (MANE Select); coding-DNA position 3163, C replaced by T.
Protein change: p.Pro1055Ser; replaces proline 1055 with serine.
Molecular consequence: missense variant. On other transcripts: non-coding transcript variant (1).
Genome position (GRCh38, 1-based): chr1:5,874,539, G>A on the plus strand (C>T on the coding strand, the complement: NPHP4 is on the minus strand). VCF-style: chr1-5874539-G-A. GRCh37 (hg19) VCF-style: chr1-5934599-G-A.
Other names: c.1624C>T, p.Pro542Ser (NM_001291593.2); c.1627C>T, p.Pro543Ser (NM_001291594.2); short protein forms P1055S, P542S, P543S.
Identifiers: ClinVar variation 2095694 (VCV002095694.4), dbSNP rs1570135019, ClinGen allele CA338055637.